The following is an entry in ClinVar:

ClinVar aggregate classification (germline): Uncertain significance (1 of 4 stars; one submission).

Conditions:
Melanoma, cutaneous malignant, susceptibility to, 5. Also called: Cutaneous malignant melanoma 5. Identifiers: Orphanet 618, MedGen C2751295, MONDO:0013133, OMIM 613099.

Allele frequency attached by ClinVar (database versions not stated): gnomAD 0.00002; TOPMed 0.00002; ExAC 0.00003; gnomAD exomes 0.00003 and 0.00004.
gnomAD v4.1: 50 of 1,613,718 alleles (0.0031%); highest among the groups gnomAD compares: South Asian, 0.012%; no homozygotes.

Submission:

Labcorp Genetics (formerly Invitae), Labcorp
Classification: Uncertain significance for Melanoma, cutaneous malignant, susceptibility to, 5. Last evaluated: 2023-03-04. Review status: criteria provided, single submitter. Criteria: Invitae Variant Classification Sherloc (09022015). Collection method: clinical testing. Allele origin: germline.
Comment: In summary, the available evidence is currently insufficient to determine the role of this variant in disease. Therefore, it has been classified as a Variant of Uncertain Significance. Advanced modeling of protein sequence and biophysical properties (such as structural, functional, and spatial information, amino acid conservation, physicochemical variation, residue mobility, and thermodynamic stability) performed at Invitae indicates that this missense variant is not expected to disrupt MC1R protein function. ClinVar contains an entry for this variant (Variation ID: 1008317). This missense change has been observed in individual(s) with basal cell carcinoma and melanoma (PMID: 18067130, 24982914). The frequency data for this variant in the population databases is considered unreliable, as metrics indicate poor data quality at this position in the gnomAD database. This sequence change replaces glycine, which is neutral and non-polar, with serine, which is neutral and polar, at codon 274 of the MC1R protein (p.Gly274Ser).

Literature cited by the submitters: PubMed 18067130; PubMed 24982914.

NM_002386.4(MC1R):c.820G>A (p.Gly274Ser)

Gene: MC1R (melanocortin 1 receptor; plus strand). Cytogenetic location: 16q24.3.
Variant type: single nucleotide variant.
Coding change: c.820G>A on transcript NM_002386.4 (MANE Select); coding-DNA position 820, G replaced by A.
Protein change: p.Gly274Ser; replaces glycine 274 with serine.
Molecular consequence: missense variant.
Genome position (GRCh38, 1-based): chr16:89,920,078, G>A. VCF-style: chr16-89920078-G-A. GRCh37 (hg19) VCF-style: chr16-89986486-G-A.
Other names: short protein forms G274S.
Identifiers: ClinVar variation 1008317 (VCV001008317.8), dbSNP rs748521098, ClinGen allele CA8255766.
Genomic context (GRCh38, chr16:89,920,078, plus strand): 5'-TGGGGCCCCTTCTTCCTGCATCTCACACTCATCGTCCTCTGCCCCGAGCACCCCACGTGC[G>A]GCTGCATCTTCAAGAACTTCAACCTCTTTCTCGCCCTCATCATCTGCAATGCCATCATCG-3'
Protein context (NP_002377.4, residues 264-284): IVLCPEHPTC[Gly274Ser]CIFKNFNLFL